The following is an entry in ClinVar:

ClinVar aggregate classification (germline): Uncertain significance. Review status: criteria provided, multiple submitters, no conflicts (2 of 4 stars). 2 submissions from 2 submitters: Uncertain significance (2). Last evaluated 2025-01-22.

Conditions:
Atrioventricular septal defect 4 (AVSD4). Identifiers: MedGen C3280781, MONDO:0013747, OMIM 614430.

Submissions (2):

Labcorp Genetics (formerly Invitae), Labcorp
Classification: Uncertain significance for Atrioventricular septal defect 4. Last evaluated: 2025-01-22. Review status: criteria provided, single submitter. Criteria: Invitae Variant Classification Sherloc (09022015). Collection method: clinical testing. Allele origin: germline.
Comment: This variant, c.1048_1056del, results in the deletion of 3 amino acid(s) of the GATA4 protein (p.Ser350_Asn352del), but otherwise preserves the integrity of the reading frame. This variant is present in population databases (no rsID available, gnomAD 0.0009%). This variant has not been reported in the literature in individuals affected with GATA4-related conditions. Experimental studies and prediction algorithms are not available or were not evaluated, and the functional significance of this variant is currently unknown. In summary, the available evidence is currently insufficient to determine the role of this variant in disease. Therefore, it has been classified as a Variant of Uncertain Significance.

Blueprint Genetics
Classification: Uncertain significance. Last evaluated: 2020-09-10. Review status: criteria provided, single submitter. Criteria: ACMG Guidelines, 2015. Collection method: clinical testing. Allele origin: germline.

NM_001308093.3(GATA4):c.1042TCCAGCAAC[1] (p.348SSN[1])

Gene: GATA4 (GATA binding protein 4). Cytogenetic location: 8p23.1.
Variant type: Microsatellite.
Coding change: c.1042TCCAGCAAC[1] on transcript NM_001308093.3 (MANE Select); one copy of the 9-base unit TCCAGCAAC starting at c.1042.
Protein change: p.348SSN[1].
Molecular consequence: inframe deletion.
Genome position: GRCh38 VCF-style: chr8-11756975-TTCCAGCAAC-T. GRCh37 (hg19) VCF-style: chr8-11614484-TTCCAGCAAC-T.
Other names: c.421TCCAGCAAC[1], p.141SSN[1] (NM_001308094.2, NM_001374273.1); c.295TCCAGCAAC[1], p.99SSN[1] (NM_001374274.1); c.1039TCCAGCAAC[1], p.347SSN[1] (NM_002052.5).
Identifiers: ClinVar variation 2167830 (VCV002167830.5), dbSNP rs1216514150, ClinGen allele CA579789161.